The following is an entry in ClinVar:

NM_003489.4(NRIP1):c.1717C>G (p.Leu573Val)

Gene: NRIP1 (nuclear receptor interacting protein 1; minus strand). Cytogenetic location: 21q11.2.
Variant type: single nucleotide variant.
Coding change: c.1717C>G on transcript NM_003489.4 (MANE Select); coding-DNA position 1717, C replaced by G.
Protein change: p.Leu573Val; replaces leucine 573 with valine.
Molecular consequence: missense variant.
Genome position (GRCh38, 1-based): chr21:14,966,476, G>C on the plus strand (C>G on the coding strand, the complement: NRIP1 is on the minus strand). VCF-style: chr21-14966476-G-C. GRCh37 (hg19) VCF-style: chr21-16338797-G-C.
Other names: short protein forms L573V.
Identifiers: ClinVar variation 3390136 (VCV003390136.15).

ClinVar aggregate classification (germline): Conflicting classifications of pathogenicity. Review status: criteria provided, conflicting classifications (1 of 4 stars). 2 submissions from 2 submitters: Uncertain significance (1); Likely benign (1). Last evaluated 2025-12-19.

gnomAD v4.1: 1 of 1,614,126 alleles (0.000062%); highest among the groups gnomAD compares: Non-Finnish European, 0.000085%; no homozygotes.

Submissions (2):

Labcorp Genetics (formerly Invitae), Labcorp
Classification: Uncertain significance. Last evaluated: 2025-12-19. Review status: criteria provided, single submitter. Criteria: Invitae Variant Classification Sherloc (09022015). Collection method: clinical testing. Allele origin: germline.
Comment: This sequence change replaces leucine, which is neutral and non-polar, with valine, which is neutral and non-polar, at codon 573 of the NRIP1 protein (p.Leu573Val). This variant is not present in population databases (gnomAD no frequency). This variant has not been reported in the literature in individuals affected with NRIP1-related conditions. ClinVar contains an entry for this variant (Variation ID: 3390136). An algorithm developed to predict the effect of missense changes on protein structure and function outputs the following: PolyPhen-2: "Benign". The valine amino acid residue is found in multiple mammalian species, which suggests that this missense change does not adversely affect protein function. In summary, the available evidence is currently insufficient to determine the role of this variant in disease. Therefore, it has been classified as a Variant of Uncertain Significance.

CeGaT Center for Human Genetics Tuebingen
Classification: Likely benign. Last evaluated: 2024-11-01. Review status: criteria provided, single submitter. Criteria: CeGaT Center For Human Genetics Tuebingen Variant Classification Criteria Version 2. Collection method: clinical testing. Allele origin: germline. Affected: yes. Observed: 1 variant allele.
Comment: NRIP1: BP4